The following is an entry in ClinVar:

NM_001386140.1(MTTP):c.2046G>T (p.Gly682=)

Gene: MTTP (microsomal triglyceride transfer protein; plus strand). Cytogenetic location: 4q23.
Variant type: single nucleotide variant.
Coding change: c.2046G>T on transcript NM_001386140.1 (MANE Select); coding-DNA position 2046, G replaced by T.
Protein change: p.Gly682=; no amino-acid change (glycine 682 retained).
Molecular consequence: synonymous variant.
Genome position (GRCh38, 1-based): chr4:99,612,969, G>T. VCF-style: chr4-99612969-G-T. GRCh37 (hg19) VCF-style: chr4-100534126-G-T.
Other names: c.2046G>T, p.Gly682= (NM_000253.4); c.1797G>T, p.Gly599= (NM_001300785.2).
Identifiers: ClinVar variation 1400249 (VCV001400249.6), dbSNP rs1168652683, ClinGen allele CA440331040.

ClinVar aggregate classification (germline): Uncertain significance (1 of 4 stars; one submission).

Allele frequency attached by ClinVar (database versions not stated): gnomAD exomes below 0.00001; TOPMed below 0.00001.
gnomAD v4.1: 2 of 1,613,990 alleles (0.00012%); highest among the groups gnomAD compares: Non-Finnish European, 0.00017%; no homozygotes.

Submission:

Labcorp Genetics (formerly Invitae), Labcorp
Classification: Uncertain significance. Last evaluated: 2022-07-19. Review status: criteria provided, single submitter. Criteria: Invitae Variant Classification Sherloc (09022015). Collection method: clinical testing. Allele origin: germline.
Comment: This sequence change affects codon 682 of the MTTP mRNA. It is a 'silent' change, meaning that it does not change the encoded amino acid sequence of the MTTP protein. This variant is present in population databases (no rsID available, gnomAD 0.0009%). This variant has not been reported in the literature in individuals affected with MTTP-related conditions. ClinVar contains an entry for this variant (Variation ID: 1400249). Algorithms developed to predict the effect of sequence changes on RNA splicing suggest that this variant may disrupt the consensus splice site. In summary, the available evidence is currently insufficient to determine the role of this variant in disease. Therefore, it has been classified as a Variant of Uncertain Significance.